The following is an entry in ClinVar:

NM_198859.4(PRICKLE2):c.2297G>T (p.Gly766Val)

Genes: PRICKLE2 (prickle planar cell polarity protein 2; minus strand), PRICKLE2-AS1 (PRICKLE2 antisense RNA 1; plus strand). Cytogenetic location: 3p14.1.
Variant type: single nucleotide variant.
Coding change: c.2297G>T on transcript NM_198859.4 (MANE Select); coding-DNA position 2297, G replaced by T.
Protein change: p.Gly766Val; replaces glycine 766 with valine.
Molecular consequence: missense variant. On other transcripts: non-coding transcript variant (1).
Genome position (GRCh38, 1-based): chr3:64,099,289, C>A on the plus strand (G>T on the coding strand, the complement: PRICKLE2 is on the minus strand). VCF-style: chr3-64099289-C-A. GRCh37 (hg19) VCF-style: chr3-64084965-C-A.
Other names: c.2297G>T, p.Gly766Val (NM_001370528.1); short protein forms G766V.
Identifiers: ClinVar variation 2755252 (VCV002755252.3), dbSNP rs746999335, ClinGen allele CA353426266.

ClinVar aggregate classification (germline): Uncertain significance (1 of 4 stars; one submission).

Conditions:
Progressive myoclonic epilepsy type 5. Identifiers: Orphanet 402082, MedGen C5190799.

Submission:

Labcorp Genetics (formerly Invitae), Labcorp
Classification: Uncertain significance for Progressive myoclonic epilepsy type 5. Last evaluated: 2024-01-02. Review status: criteria provided, single submitter. Criteria: Invitae Variant Classification Sherloc (09022015). Collection method: clinical testing. Allele origin: germline.
Comment: This sequence change replaces glycine, which is neutral and non-polar, with valine, which is neutral and non-polar, at codon 766 of the PRICKLE2 protein (p.Gly766Val). This variant is not present in population databases (gnomAD no frequency). This variant has not been reported in the literature in individuals affected with PRICKLE2-related conditions. Advanced modeling of protein sequence and biophysical properties (such as structural, functional, and spatial information, amino acid conservation, physicochemical variation, residue mobility, and thermodynamic stability) performed at Invitae indicates that this missense variant is not expected to disrupt PRICKLE2 protein function with a negative predictive value of 80%. In summary, the available evidence is currently insufficient to determine the role of this variant in disease. Therefore, it has been classified as a Variant of Uncertain Significance.